The following is an entry in ClinVar:

ClinVar aggregate classification (germline): Pathogenic (1 of 4 stars; one submission).

Conditions:
Familial intrahepatic cholestasis. Identifiers: Orphanet 284385, MedGen CN296401, MONDO:0017290.

Submission:

Genomenon, Inc
Classification: Pathogenic for Familial intrahepatic cholestasis. Last evaluated: 2026-04-14. Review status: criteria provided, single submitter. Criteria: Genomenon Sequence Variant Interpretation Standards - Updated. Collection method: curation. Allele origin: germline. Affected: yes.
Comment: ABCB4 c.3486+2T>A is a canonical splice variant affecting the donor splice site of intron 26. It is predicted to affect mRNA splicing, leading to a deleterious effect on the ABCB4 protein. This variant has been observed in at least one proband with an ABCB4-related disorder (PMID:15077010). It is absent or not present at a significant frequency in gnomAD. In conclusion, we classify ABCB4 c.3486+2T>A as a pathogenic variant.

Literature cited by the submitters: PubMed 15077010.

NM_000443.4(ABCB4):c.3486+2T>A

Gene: ABCB4 (ATP binding cassette subfamily B member 4; minus strand). Cytogenetic location: 7q21.12.
Variant type: single nucleotide variant.
Coding change: c.3486+2T>A on transcript NM_000443.4 (MANE Select); the canonical splice donor site of the intron after coding-DNA position 3486, T replaced by A.
Molecular consequence: splice donor variant.
Genome position (GRCh38, 1-based): chr7:87,406,286, A>T on the plus strand (T>A on the coding strand, the complement: ABCB4 is on the minus strand). VCF-style: chr7-87406286-A-T. GRCh37 (hg19) VCF-style: chr7-87035602-A-T.
Other names: c.3345+2T>A (NM_018850.3); c.3507+2T>A (NM_018849.3).
Identifiers: ClinVar variation 4846368 (VCV004846368.1).